The following is an entry in ClinVar:

NM_000219.6(KCNE1):c.93C>T (p.Ala31=)

Gene: KCNE1 (potassium voltage-gated channel subfamily E regulatory subunit 1; minus strand). Cytogenetic location: 21q22.12.
Variant type: single nucleotide variant.
Coding change: c.93C>T on transcript NM_000219.6 (MANE Select); coding-DNA position 93, C replaced by T.
Protein change: p.Ala31=; no amino-acid change (alanine 31 retained).
Molecular consequence: synonymous variant.
Genome position (GRCh38, 1-based): chr21:34,449,542, G>A on the plus strand (C>T on the coding strand, the complement: KCNE1 is on the minus strand). VCF-style: chr21-34449542-G-A. GRCh37 (hg19) VCF-style: chr21-35821840-G-A.
Other names: c.93C>T, p.Ala31= (NM_001127668.4, NM_001127669.4, NM_001127670.4 and 4 more transcripts).
Identifiers: ClinVar variation 3374030 (VCV003374030.2).
Genomic context (GRCh38, chr21:34,449,542, plus strand): 5'-CAGTACCATGAGGACGTAGAGGGCCTCCAGCTTGCCGTCACTGCTGCGGGGGGACCTGCG[G>A]GCCAGGCCCGACATGTTGCCACCCTGCTGAACTGTCTCCTGCCACAGCTTGGTCAGAAAG-3'
Protein context (NP_000210.2, residues 21-41): VQQGGNMSGL[Ala31=]RRSPRSSDGK

Conditions:
Long QT syndrome 5 (LQT5). Identifiers: Orphanet 101016, Orphanet 768, MedGen C1867904, MONDO:0013372, OMIM 613695.

Submission:

Roden Lab, Vanderbilt University Medical Center
No classification provided (evidence only). Condition: Long QT syndrome 5. Review status: no classification provided. Collection method: in vitro. Allele origin: not applicable. Functional consequence: Effect on ion channel function.
ClinVar note: "not provided" was previously submitted as the classification for the variant. However, the classification appeared to be based only on an observation of functional data so it was converted to no classification on 2025-07-30.